The following is an entry in ClinVar:

NM_001142800.2(EYS):c.9316_9317insTTAAA (p.Thr3106fs)

Genes: EYS (EGF-like photoreceptor maintenance factor; minus strand), PHF3 (PHD finger protein 3; plus strand). Cytogenetic location: 6q12.
Variant type: Insertion.
Coding change: c.9316_9317insTTAAA on transcript NM_001142800.2 (MANE Select); coding-DNA positions 9316 to 9317, TTAAA inserted.
Protein change: p.Thr3106fs; shifts the reading frame from threonine 3106.
Molecular consequence: frameshift variant. On other transcripts: 3 prime UTR variant (5).
Genome position: GRCh38 VCF-style: chr6-63720714-G-GTTTAA. GRCh37 (hg19) VCF-style: chr6-64430610-G-GTTTAA.
Other names: c.*7009_*7010insAATTT (NM_001290259.2, NM_001370348.2, NM_001370349.2 and 2 more transcripts); c.9379_9380insTTAAA, p.Thr3127fs (NM_001292009.2); short protein forms T3106fs, T3127fs.
Identifiers: ClinVar variation 4880759 (VCV004880759.2).

ClinVar aggregate classification (germline): Likely pathogenic (1 of 4 stars; one submission).

Submission:

Dasa
Classification: Likely pathogenic. Last evaluated: 2026-04-09. Review status: criteria provided, single submitter. Criteria: DASA Assertion Criteria. Collection method: clinical testing. Allele origin: germline.
Comment: NM_001142800.2(EYS):c.9316_9317insTTAAA (p.Thr3106Ilefs*23) is a frameshift variant in EYS predicted to alter the reading frame and introduce a premature termination codon and is predicted to result in an absent or altered protein product. Loss of function is an established disease mechanism for EYS-associated disorders. Also, this variant is rare in population databases. Based on the currently available evidence, this variant is classified as likely pathogenic.